The following is an entry in ClinVar:

NM_014053.4(FLVCR1):c.238del (p.Arg80fs)

Genes: FLVCR1 (FLVCR choline and heme transporter 1; plus strand), LOC129932486 (ATAC-STARR-seq lymphoblastoid silent region 1807; plus strand). Cytogenetic location: 1q32.3.
Variant type: Deletion.
Coding change: c.238del on transcript NM_014053.4 (MANE Select); coding-DNA position 238, one base deleted (C; older notation c.238delC).
Protein change: p.Arg80fs; shifts the reading frame from arginine 80.
Molecular consequence: frameshift variant.
Genome position (GRCh38, 1-based): chr1:212,858,690, C deleted; the last of 3 consecutive C bases (chr1:212,858,688-212,858,690); deleting any one gives the same sequence. VCF-style (leftmost placement, unchanged base first): chr1-212858687-GC-G. GRCh37 (hg19) VCF-style: chr1-213032029-GC-G.
Other names: short protein forms R80fs.
Identifiers: ClinVar variation 2007153 (VCV002007153.4), dbSNP rs1415941409, ClinGen allele CA731081920.
Genomic context (GRCh38, chr1:212,858,687, plus strand): 5'-GCCGCCTCGGGAGTTCTGGGCGGGCCTCAGACTCCACTGGCCCCAGAAGAGGAGACCCAG[GC>G]CCGGCTGCTGCCTGCGGGCGCGGGAGCTGAGACCCCGGGGGCCGAGAGCAGCCCGCTGCC-3'

ClinVar aggregate classification (germline): Pathogenic (1 of 4 stars; one submission).

Submission:

Labcorp Genetics (formerly Invitae), Labcorp
Classification: Pathogenic. Last evaluated: 2022-06-15. Review status: criteria provided, single submitter. Criteria: Invitae Variant Classification Sherloc (09022015). Collection method: clinical testing. Allele origin: germline.
Comment: This sequence change creates a premature translational stop signal (p.Arg80Glyfs*33) in the FLVCR1 gene. It is expected to result in an absent or disrupted protein product. Loss-of-function variants in FLVCR1 are known to be pathogenic (PMID: 23591405, 27923065). This variant is not present in population databases (gnomAD no frequency). This variant has not been reported in the literature in individuals affected with FLVCR1-related conditions. For these reasons, this variant has been classified as Pathogenic.

Literature cited by the submitters: PubMed 23591405; PubMed 27923065.